The following is an entry in ClinVar:

ClinVar aggregate classification (germline): Pathogenic (1 of 4 stars; one submission).

Conditions:
Ellis-van Creveld syndrome (EVC). Also called: MESOECTODERMAL DYSPLASIA; Chondroectodermal dysplasia; EVC-Related Ellis-van Creveld Syndrome; EVC2-Related Ellis-van Creveld Syndrome. Identifiers: Orphanet 289, MedGen C0013903, MONDO:0009162, OMIM 225500.

Submission:

Juno Genomics, Hangzhou Juno Genomics, Inc
Classification: Pathogenic for Ellis-van Creveld syndrome. Review status: criteria provided, single submitter. Criteria: ACMG Guidelines, 2015. Collection method: clinical testing. Allele origin: germline. Affected: yes.
Comment: Absent from controls (or at extremely low frequency if recessive) in Genome Aggregation Database, Exome Sequencing Project, 1000 Genomes Project, or Exome Aggregation Consortium.;Null variant in a gene where loss of function (LOF) is a known mechanism of disease.;For recessive disorders, detected in trans with a pathogenic variant.

NM_147127.5(EVC2):c.2335G>T (p.Glu779Ter)

Gene: EVC2 (EvC ciliary complex subunit 2; minus strand). Cytogenetic location: 4p16.2.
Variant type: single nucleotide variant.
Coding change: c.2335G>T on transcript NM_147127.5 (MANE Select); coding-DNA position 2335, G replaced by T.
Protein change: p.Glu779Ter; replaces glutamic acid 779 with a stop codon.
Molecular consequence: nonsense.
Genome position (GRCh38, 1-based): chr4:5,622,703, C>A on the plus strand (G>T on the coding strand, the complement: EVC2 is on the minus strand). VCF-style: chr4-5622703-C-A. GRCh37 (hg19) VCF-style: chr4-5624430-C-A.
Other names: c.2095G>T, p.Glu699Ter (NM_001166136.2); short protein forms E699*, E779*.
Identifiers: ClinVar variation 3382111 (VCV003382111.2).